The following is an entry in ClinVar:

NM_000132.4(F8):c.818A>G (p.Tyr273Cys)

Gene: F8 (coagulation factor VIII; minus strand). Cytogenetic location: Xq28.
Variant type: single nucleotide variant.
Coding change: c.818A>G on transcript NM_000132.4 (MANE Select); coding-DNA position 818, A replaced by G.
Protein change: p.Tyr273Cys; replaces tyrosine 273 with cysteine.
Molecular consequence: missense variant.
Genome position (GRCh38, 1-based): chrX:154,969,522, T>C on the plus strand (A>G on the coding strand, the complement: F8 is on the minus strand). VCF-style: chrX-154969522-T-C. GRCh37 (hg19) VCF-style: chrX-154197797-T-C.
Other names: c.818A>G (NM_000132.3); short protein forms Y273C.
Identifiers: ClinVar variation 3336085 (VCV003336085.4).

ClinVar aggregate classification (germline): Conflicting classifications of pathogenicity. Review status: criteria provided, conflicting classifications (1 of 4 stars). 2 submissions from 2 submitters: Likely pathogenic (1); Uncertain significance (1). Last evaluated 2025-04-17.

Conditions:
Hereditary factor VIII deficiency disease (HEMA). Also called: HEMOPHILIA, CLASSIC; AUTOSOMAL HEMOPHILIA A; Hemophilia A; Hemophilia A, congenital; HEM A; Factor 8 deficiency, congenital. Identifiers: Orphanet 98878, MedGen C0019069, MONDO:0010602, OMIM 306700.

gnomAD v4.1: 2 of 1,210,980 alleles (0.00017%); highest among the groups gnomAD compares: Non-Finnish European, 0.00022%; no homozygotes.

Submissions (2):

Women's Health and Genetics/Laboratory Corporation of America, LabCorp
Classification: Likely pathogenic for Hereditary factor VIII deficiency disease. Last evaluated: 2025-04-17. Review status: criteria provided, single submitter. Criteria: LabCorp Variant Classification Summary - May 2015. Collection method: clinical testing. Allele origin: germline.
Comment: Variant summary: F8 c.818A>G (p.Tyr273Cys) results in a non-conservative amino acid change in the encoded protein sequence. Four of five in-silico tools predict a damaging effect of the variant on protein function. The variant was absent in 182160 control chromosomes. The variant allele was found at a frequency of 1.7e-06 in 1205944 control chromosomes (i.e. in 2 heterozygotes in gnomAD v4.1). c.818A>G has been observed in the presumed hemizygous state in multiple individuals affected with clinical features of mild Factor VIII Deficiency (Hemophilia A) (example, Eckhardt_2013, Johnsen_2017, Johnsen_2022). These data indicate that the variant may be associated with disease. These publications also reported factor VIII laboratory values that are consistent with mild hemophilia (Eckhardt_2013 and Johnsen_2017 through the EAHAD database). The following publications have been ascertained in the context of this evaluation (PMID: 35770352, 23926300, 29296726, 37647632). ClinVar contains an entry for this variant (Variation ID: 3336085). Based on the evidence outlined above, the variant was classified as likely pathogenic.

GeneDx
Classification: Uncertain significance. Last evaluated: 2024-10-08. Review status: criteria provided, single submitter. Criteria: GeneDx Variant Classification Process June 2021. Collection method: clinical testing. Allele origin: germline. Affected: yes.
Comment: Reported in the published literature in one patient with non-severe hemophilia A (PMID: 23926300); Not observed at significant frequency in large population cohorts (gnomAD); In silico analysis supports that this missense variant has a deleterious effect on protein structure/function; This variant is associated with the following publications: (PMID: 37647632, 23926300)

Literature cited by the submitters: PubMed 35770352 (cited by Women's Health and Genetics/Laboratory Corporation of America, LabCorp); PubMed 23926300 (cited by Women's Health and Genetics/Laboratory Corporation of America, LabCorp); PubMed 29296726 (cited by Women's Health and Genetics/Laboratory Corporation of America, LabCorp); PubMed 37647632 (cited by Women's Health and Genetics/Laboratory Corporation of America, LabCorp).